The following is an entry in ClinVar:

ClinVar aggregate classification (germline): Likely benign. Review status: criteria provided, single submitter (1 of 4 stars). 2 submissions from 2 submitters: Likely benign (1). 1 of the submissions does not count toward it. Last evaluated 2022-08-18.

Conditions:
SCAPER-related disorder. Also called: SCAPER-related condition.

Allele frequency attached by ClinVar (database versions not stated): ExAC 0.00002; TOPMed 0.00002; gnomAD 0.00003; gnomAD exomes 0.00005; 1000 Genomes Project 30x 0.00016; 1000 Genomes Project 0.00020.
gnomAD v4.1: 82 of 1,613,326 alleles (0.0051%); highest among the groups gnomAD compares: Non-Finnish European, 0.0064%; no homozygotes.

Submissions (2):

Blueprint Genetics
Classification: Likely benign. Last evaluated: 2022-08-18. Review status: criteria provided, single submitter. Criteria: ACMG Guidelines, 2015. Collection method: clinical testing. Allele origin: germline.

PreventionGenetics, part of Exact Sciences
Classification: Likely benign for SCAPER-related condition. Last evaluated: 2019-03-06. Review status: no assertion criteria provided. Collection method: clinical testing. Allele origin: germline. Not counted in ClinVar's aggregate classification.
Comment: This variant is classified as likely benign based on ACMG/AMP sequence variant interpretation guidelines (Richards et al. 2015 PMID: 25741868, with internal and published modifications).

NM_020843.4(SCAPER):c.726C>T (p.Ala242=)

Gene: SCAPER (S-phase cyclin A associated protein in the ER; minus strand). Cytogenetic location: 15q24.3.
Variant type: single nucleotide variant.
Coding change: c.726C>T on transcript NM_020843.4 (MANE Select); coding-DNA position 726, C replaced by T.
Protein change: p.Ala242=; no amino-acid change (alanine 242 retained).
Molecular consequence: synonymous variant. On other transcripts: 5 prime UTR variant (1), non-coding transcript variant (1).
Genome position (GRCh38, 1-based): chr15:76,795,326, G>A on the plus strand (C>T on the coding strand, the complement: SCAPER is on the minus strand). VCF-style: chr15-76795326-G-A. GRCh37 (hg19) VCF-style: chr15-77087667-G-A.
Other names: c.-172C>T (NM_001145923.2); c.726C>T, p.Ala242= (NM_001353009.2); c.324C>T, p.Ala108= (NM_001353010.2, NM_001353011.2, NM_001353012.2).
Identifiers: ClinVar variation 3035236 (VCV003035236.3), dbSNP rs534363120, ClinGen allele CA7675122.